The following is an entry in ClinVar:

ClinVar aggregate classification (germline): Benign/Likely benign. Review status: criteria provided, multiple submitters, no conflicts (2 of 4 stars). 3 submissions from 3 submitters: Benign (1); Likely benign (2). Last evaluated 2024-09-13.

Conditions:
Hereditary cancer-predisposing syndrome. Also called: Hereditary Cancer Syndrome; Neoplastic Syndromes, Hereditary; Tumor predisposition; Hereditary neoplastic syndrome. Identifiers: Orphanet 140162, MedGen C0027672, MeSH D009386, MONDO:0015356.
Hereditary diffuse gastric adenocarcinoma (HDGC). Also called: DIFFUSE GASTRIC AND LOBULAR BREAST CANCER SYNDROME. Identifiers: Orphanet 26106, MedGen C1708349, MONDO:0007648, OMIM 137215.

Allele frequency attached by ClinVar (database versions not stated): gnomAD exomes below 0.00001; TOPMed below 0.00001; ExAC 0.00001.
gnomAD v4.1: 1 of 1,614,086 alleles (0.000062%); highest among the groups gnomAD compares: South Asian, 0.0011%; no homozygotes.

Submissions (3):

Myriad Genetics, Inc.
Classification: Benign for Hereditary diffuse gastric adenocarcinoma. Last evaluated: 2024-09-13. Review status: criteria provided, single submitter. Criteria: Myriad Autosomal Dominant, Autosomal Recessive and X-Linked Classification Criteria (2023). Collection method: clinical testing. Allele origin: unknown.
Comment: This variant is considered benign. This variant is a silent/synonymous amino acid change and it is not expected to impact splicing.

Labcorp Genetics (formerly Invitae), Labcorp
Classification: Likely benign for Hereditary diffuse gastric adenocarcinoma. Last evaluated: 2024-07-20. Review status: criteria provided, single submitter. Criteria: Invitae Variant Classification Sherloc (09022015). Collection method: clinical testing. Allele origin: germline.

Ambry Genetics
Classification: Likely benign for Hereditary cancer-predisposing syndrome. Last evaluated: 2015-06-30. Review status: criteria provided, single submitter. Criteria: Ambry Variant Classification Scheme 2023. Collection method: clinical testing. Allele origin: germline.

NM_004360.5(CDH1):c.660G>A (p.Leu220=)

Gene: CDH1 (cadherin 1; plus strand). Cytogenetic location: 16q22.1.
Variant type: single nucleotide variant.
Coding change: c.660G>A on transcript NM_004360.5 (MANE Select); coding-DNA position 660, G replaced by A.
Protein change: p.Leu220=; no amino-acid change (leucine 220 retained).
Molecular consequence: synonymous variant. On other transcripts: 5 prime UTR variant (2).
Genome position (GRCh38, 1-based): chr16:68,808,821, G>A. VCF-style: chr16-68808821-G-A. GRCh37 (hg19) VCF-style: chr16-68842724-G-A.
Other names: c.660G>A (LRG_301t1); c.660G>A, p.Leu220= (NM_001317184.2); c.-956G>A (NM_001317185.2); c.-1160G>A (NM_001317186.2).
Identifiers: ClinVar variation 232704 (VCV000232704.15), dbSNP rs747484647, ClinGen allele CA8129901.